The following is an entry in ClinVar:

ClinVar aggregate classification (germline): Uncertain significance. Review status: criteria provided, multiple submitters, no conflicts (2 of 4 stars). 2 submissions from 2 submitters: Uncertain significance (2). Last evaluated 2025-10-15.

Conditions:
Inborn genetic diseases. Identifiers: MedGen C0950123, MeSH D030342.

Allele frequency attached by ClinVar (database versions not stated): ExAC 0.00001; gnomAD exomes 0.00001 and below 0.00001; gnomAD 0.00001.
gnomAD v4.1: 5 of 1,613,906 alleles (0.00031%); highest among the groups gnomAD compares: Non-Finnish European, 0.00034%; no homozygotes.

Submissions (2):

Ambry Genetics
Classification: Uncertain significance for Inborn genetic diseases. Last evaluated: 2025-10-15. Review status: criteria provided, single submitter. Criteria: Ambry Variant Classification Scheme 2023. Collection method: clinical testing. Allele origin: germline.

Labcorp Genetics (formerly Invitae), Labcorp
Classification: Uncertain significance. Last evaluated: 2022-07-12. Review status: criteria provided, single submitter. Criteria: Invitae Variant Classification Sherloc (09022015). Collection method: clinical testing. Allele origin: germline.
Comment: This sequence change replaces glycine, which is neutral and non-polar, with arginine, which is basic and polar, at codon 2050 of the CAD protein (p.Gly2050Arg). This variant is present in population databases (rs771150297, gnomAD 0.005%). This variant has not been reported in the literature in individuals affected with CAD-related conditions. ClinVar contains an entry for this variant (Variation ID: 1394502). Algorithms developed to predict the effect of missense changes on protein structure and function are either unavailable or do not agree on the potential impact of this missense change (SIFT: "Tolerated"; PolyPhen-2: "Probably Damaging"; Align-GVGD: "Class C0"). In summary, the available evidence is currently insufficient to determine the role of this variant in disease. Therefore, it has been classified as a Variant of Uncertain Significance.

NM_004341.5(CAD):c.6148G>A (p.Gly2050Arg)

Gene: CAD (carbamoyl-phosphate synthetase 2, aspartate transcarbamylase, and dihydroorotase; plus strand). Cytogenetic location: 2p23.3.
Variant type: single nucleotide variant.
Coding change: c.6148G>A on transcript NM_004341.5 (MANE Select); coding-DNA position 6148, G replaced by A.
Protein change: p.Gly2050Arg; replaces glycine 2050 with arginine.
Molecular consequence: missense variant.
Genome position (GRCh38, 1-based): chr2:27,242,353, G>A. VCF-style: chr2-27242353-G-A. GRCh37 (hg19) VCF-style: chr2-27465221-G-A.
Other names: c.6148G>A (NM_004341.3); c.5959G>A, p.Gly1987Arg (NM_001306079.2); short protein forms G1987R, G2050R.
Identifiers: ClinVar variation 1394502 (VCV001394502.4), dbSNP rs771150297, ClinGen allele CA1574136.